The following is an entry in ClinVar:

NM_001134382.3(IQSEC1):c.3069C>T (p.Ala1023=)

Gene: IQSEC1 (IQ motif and Sec7 domain ArfGEF 1; minus strand). Cytogenetic location: 3p25.2.
Variant type: single nucleotide variant.
Coding change: c.3069C>T on transcript NM_001134382.3 (MANE Select); coding-DNA position 3069, C replaced by T.
Protein change: p.Ala1023=; no amino-acid change (alanine 1023 retained).
Molecular consequence: synonymous variant. On other transcripts: 3 prime UTR variant (1), intron variant (1).
Genome position (GRCh38, 1-based): chr3:12,901,259, G>A on the plus strand (C>T on the coding strand, the complement: IQSEC1 is on the minus strand). VCF-style: chr3-12901259-G-A. GRCh37 (hg19) VCF-style: chr3-12942758-G-A.
Other names: c.*250C>T (NM_001330619.3); c.3393C>T, p.Ala1131= (NM_001376938.2); c.2847+1514C>T (NM_014869.8).
Identifiers: ClinVar variation 2653550 (VCV002653550.24), dbSNP rs534679416, ClinGen allele CA2261765.

ClinVar aggregate classification (germline): Likely benign (1 of 4 stars; one submission).

Allele frequency attached by ClinVar (database versions not stated): TOPMed 0.00010; gnomAD 0.00035; gnomAD exomes 0.00049; 1000 Genomes Project 0.00060; ExAC 0.00368.
gnomAD v4.1: 725 of 1,533,152 alleles (0.047%); highest among the groups gnomAD compares: South Asian, 0.61%; 7 homozygotes.

Submission:

CeGaT Center for Human Genetics Tuebingen
Classification: Likely benign. Last evaluated: 2026-07-01. Review status: criteria provided, single submitter. Criteria: CeGaT Center For Human Genetics Tuebingen Variant Classification Criteria Version 2. Collection method: clinical testing. Allele origin: germline. Affected: yes. Observed: 2 variant alleles.
Comment: IQSEC1: BP4, BP7